The following is an entry in ClinVar:

NM_001347721.2(DYRK1A):c.1118C>T (p.Ala373Val)

Gene: DYRK1A (dual specificity tyrosine phosphorylation regulated kinase 1A; plus strand). Cytogenetic location: 21q22.13.
Variant type: single nucleotide variant.
Coding change: c.1118C>T on transcript NM_001347721.2 (MANE Select); coding-DNA position 1118, C replaced by T.
Protein change: p.Ala373Val; replaces alanine 373 with valine.
Molecular consequence: missense variant.
Genome position (GRCh38, 1-based): chr21:37,496,164, C>T. VCF-style: chr21-37496164-C-T. GRCh37 (hg19) VCF-style: chr21-38868466-C-T.
Other names: c.1118C>T, p.Ala373Val (NM_001347722.2, NM_130436.2); c.1031C>T, p.Ala344Val (NM_001347723.2); c.1145C>T, p.Ala382Val (NM_001396.5, NM_101395.2, NM_130438.2); short protein forms A382V, A344V, A373V.
Identifiers: ClinVar variation 423773 (VCV000423773.2), dbSNP rs1064796623, ClinGen allele CA16621003.

ClinVar aggregate classification (germline): Uncertain significance (1 of 4 stars; one submission).

Allele frequency attached by ClinVar (database versions not stated): gnomAD 0.00001.
gnomAD v4.1: 1 of 1,613,932 alleles (0.000062%); no homozygotes.

Submission:

GeneDx
Classification: Uncertain significance. Last evaluated: 2017-02-22. Review status: criteria provided, single submitter. Criteria: GeneDx Variant Classification (06012015). Collection method: clinical testing. Allele origin: germline. Affected: yes.
Comment: The A382V variant in the DYRK1A gene has not been reported previously as a pathogenic variant, nor as a benign variant, to our knowledge. The A382V variant is not observed in large population cohorts (Lek et al., 2016; 1000 Genomes Consortium et al., 2015; Exome Variant Server). The A382V variant is a conservative amino acid substitution, which is not likely to impact secondary protein structure as these residues share similar properties. This substitution occurs at a position that is conserved in mammals. In silico analysis is inconsistent in its predictions as to whether or not the variant is damaging to the protein structure/function. We interpret A382V as a variant of uncertain significance.